The following is an entry in ClinVar:

NM_000070.3(CAPN3):c.1322del (p.Gly441fs)

Gene: CAPN3 (calpain 3; plus strand). Cytogenetic location: 15q15.1.
Variant type: Deletion.
Coding change: c.1322del on transcript NM_000070.3 (MANE Select); coding-DNA position 1322, one base deleted (G; older notation c.1322delG).
Protein change: p.Gly441fs; shifts the reading frame from glycine 441.
Molecular consequence: frameshift variant.
Genome position (GRCh38, 1-based): chr15:42,399,620, G deleted; the last of 4 consecutive G bases (chr15:42,399,617-42,399,620); deleting any one gives the same sequence. VCF-style (leftmost placement, unchanged base first): chr15-42399616-CG-C. GRCh37 (hg19) VCF-style: chr15-42691814-CG-C.
Other names: NM_000070.3(CAPN3):c.1322del; p.Gly441fs; c.1322del, p.Gly441fs (NM_024344.2); c.1178del, p.Gly393fs (NM_173087.2); c.1319delG (NM_000070.2); c.1322delG (NM_000070.3); short protein forms G393fs, G441fs.
Identifiers: ClinVar variation 281062 (VCV000281062.21), dbSNP rs1555421871, ClinGen allele CA10603798.

ClinVar aggregate classification (germline): Pathogenic. Review status: reviewed by expert panel (3 of 4 stars). 11 submissions from 11 submitters: Pathogenic (1). 10 of the submissions do not count toward it. Last evaluated 2025-10-07.

Conditions:
Muscular dystrophy, limb-girdle, autosomal dominant 4. Also called: Calpain-3-related limb-girdle muscular dystrophy D4; MUSCULAR DYSTROPHY, LIMB-GIRDLE, TYPE 1I. Identifiers: Orphanet 565909, MedGen C4748295, MONDO:0029133, OMIM 618129.
CAPN3-related disorder. Also called: CAPN3-related condition; CAPN3-related disorders. Identifiers: MedGen CN239245.
Autosomal recessive limb-girdle muscular dystrophy. Identifiers: Orphanet 102015, MedGen C2931907, MONDO:0015152.
Autosomal recessive limb-girdle muscular dystrophy type 2A (LGMDR1). Also called: Muscular dystrophy, limb-girdle, type 2A, Amish; Limb-girdle muscular dystrophy, type 2A; Calpainopathy; LEYDEN-MOEBIUS MUSCULAR DYSTROPHY; MUSCULAR DYSTROPHY, PELVOFEMORAL. Identifiers: Orphanet 267, MedGen C1869123, MONDO:0009675, OMIM 253600. Disease mechanism: loss of function.
Lower-limb joint contracture. Identifiers: MedGen C1859523, HP:0005750.
Cardiac arrhythmia. Also called: Cardiac rhythm disease; Arrhythmia. Identifiers: MedGen C0003811, MONDO:0007263, HP:0011675.
Muscular dystrophy. Identifiers: Orphanet 98473, MedGen C0026850, MeSH D009136, MONDO:0020121, HP:0003560.
Elbow flexion contracture. Identifiers: MedGen C0409338, HP:0002987.
Muscle weakness. Identifiers: MedGen C0151786, HP:0001324.

Submissions (11):

ClinGen Limb Girdle Muscular Dystrophy Variant Curation Expert Panel, ClinGen
Classification: Pathogenic for Autosomal recessive limb-girdle muscular dystrophy. Last evaluated: 2025-10-07. Review status: reviewed by expert panel. Criteria: ClinGen LGMD VCEP ACMG Specifications CAPN3 V2.0.0. Collection method: curation. Allele origin: germline. Inheritance: Autosomal recessive inheritance.
Comment: The NM_000070.3: c.1322del p.(Gly441ValfsTer22) variant in CAPN3 is a frameshift variant predicted to cause a premature stop codon in biologically relevant exon 11/24, leading to nonsense mediated decay in a gene in which loss of function is an established disease mechanism (PVS1). This variant has been reported in at least six patients with clinical features consistent with LGMD2A (PMID: 15689361, 26501342, 25135358, 17702496, 17236769, 15733273), including in unconfirmed phase with a pathogenic variant in at least three patients (c.2362-2363delinsTCATCT, 0.5 pts, PMID: 15689361; c.550del, 0.5 pts x2, PMID: 17702496, 15733273) (PM3). At least one patient with this variant and a second presumed diagnostic CAPN3 variant had a clinical diagnosis of LGMD and absent calpain-3 protein expression in skeletal muscle, which is highly specific for CAPN3-related LGMD (PMID: 15733273; PP4_Strong). The upper bound of the 95% confidence interval (95% CI) of the Grpmax variant allele frequency in gnomAD v4.1.0 is 0.000008921 (5/1178404 European (non-Finnish) chromosomes), which is less than the ClinGen LGMD VCEP threshold (≤0.0001) (PM2_Supporting). In summary, this variant meets the criteria to be classified as Pathogenic for autosomal recessive limb girdle muscular dystrophy based on the ACMG/AMP criteria applied, as specified by the ClinGen LGMD VCEP (LGMD VCEP specifications version 2.0.0; 10/07/2025): PVS1, PM3, PP4_Strong, PM2_Supporting.

Natera, Inc.
Classification: Pathogenic for Limb-girdle muscular dystrophy type 2A. Last evaluated: 2025-08-05. Review status: criteria provided, single submitter. Criteria: Natera Variant Classification Schema (03/2026). Collection method: clinical testing. Allele origin: germline. Not counted in ClinVar's aggregate classification.
Comment: The c.1322delG variant in CAPN3 is a frameshift variant predicted to shift the reading frame beginning at codon 441 and leads to a stop codon 22 codons downstream. This variant is expected to result in nonsense mediated decay, truncation, or a dysfunctional protein product. This variant is rare in the general population with a frequency below the threshold expected for the associated phenotype(s). This variant has been observed in one or more individuals affected with the associated recessive disease, as either homozygous or compound heterozygous with a second variant (PMID: 15733273). Given the available evidence, this variant is classified as Pathogenic.

Revvity Omics, Revvity
Classification: Pathogenic. Last evaluated: 2025-04-16. Review status: criteria provided, single submitter. Criteria: ACMG Guidelines, 2015. Collection method: clinical testing. Allele origin: germline. Not counted in ClinVar's aggregate classification.

Baylor Genetics
Classification: Pathogenic for Muscular dystrophy, limb-girdle, autosomal dominant 4. Last evaluated: 2023-10-12. Review status: criteria provided, single submitter. Criteria: ACMG Guidelines, 2015. Collection method: clinical testing. Allele origin: unknown. Not counted in ClinVar's aggregate classification.

Labcorp Genetics (formerly Invitae), Labcorp
Classification: Pathogenic for Autosomal recessive limb-girdle muscular dystrophy type 2A. Last evaluated: 2023-07-07. Review status: criteria provided, single submitter. Criteria: Invitae Variant Classification Sherloc (09022015). Collection method: clinical testing. Allele origin: germline. Not counted in ClinVar's aggregate classification.
Comment: For these reasons, this variant has been classified as Pathogenic. ClinVar contains an entry for this variant (Variation ID: 281062). This premature translational stop signal has been observed in individual(s) with limb-girdle muscular dystrophy (PMID: 15733273). This variant is present in population databases (no rsID available, gnomAD 0.0009%). This sequence change creates a premature translational stop signal (p.Gly441Valfs*22) in the CAPN3 gene. It is expected to result in an absent or disrupted protein product. Loss-of-function variants in CAPN3 are known to be pathogenic (PMID: 10330340, 15689361).

MGZ Medical Genetics Center
Classification: Pathogenic for Autosomal recessive limb-girdle muscular dystrophy type 2A. Last evaluated: 2022-08-10. Review status: criteria provided, single submitter. Criteria: ACMG Guidelines, 2015. Collection method: clinical testing. Allele origin: germline. Affected: yes. Observed: 1 variant allele. Not counted in ClinVar's aggregate classification.
Comment: ACMG criteria applied: PVS1, PM3, PM2_SUP

Dasa
Classification: Pathogenic for CAPN3-related disorder. Last evaluated: 2022-03-05. Review status: criteria provided, single submitter. Criteria: ACMG Guidelines, 2015. Collection method: clinical testing. Allele origin: germline. Affected: yes. Observed: 1 variant allele. Not counted in ClinVar's aggregate classification.
Comment: The c.1322delG;p.(Gly441Valfs*22) is a null frameshift variant (NMD) in the CAPN3 gene and predicts alteration of the nonsense-mediate decay - NMD is present in a relevant exon to the transcript - PVS1. This sequence change has been observed in affected individual(s) and ClinVar contains an entry for this variant (PMID: 26501342; PMID: 25135358; PMID: 17702496; PMID: 17236769) - PS4. This variant is not present in population databases (rs1555421871- gnomAD; ABraOM no frequency) - PM2. The p.(Gly441Valfs*22) was detected in trans with a pathogenic variant (PMID: 26501342; PMID: 25135358) - PM3. In summary, the currently available evidence indicates that the variant is pathogenic.

Blueprint Genetics
Classification: Pathogenic for CAPN3-related disorders. Last evaluated: 2019-04-30. Review status: criteria provided, single submitter. Criteria: ACMG Guidelines, 2015. Collection method: clinical testing. Allele origin: germline. Affected: yes. Observed: 1 variant allele. Not counted in ClinVar's aggregate classification.

Eurofins Ntd Llc (ga)
Classification: Pathogenic. Last evaluated: 2015-12-09. Review status: criteria provided, single submitter. Criteria: EGL Classification Definitions 2015. Collection method: clinical testing. Allele origin: germline. Observed: 3 variant alleles, 3 heterozygotes. Not counted in ClinVar's aggregate classification.

Centre for Mendelian Genomics, University Medical Centre Ljubljana
Classification: Pathogenic for Cardiac arrhythmia; Lower-limb joint contracture; Elbow flexion contracture; Muscle weakness; Muscular dystrophy. Last evaluated: 2014-09-24. Review status: criteria provided, single submitter. Criteria: ACMG Guidelines, 2015. Collection method: clinical testing. Allele origin: unknown. Affected: yes. Not counted in ClinVar's aggregate classification.

Counsyl
Classification: Pathogenic for Autosomal recessive limb-girdle muscular dystrophy type 2A. Last evaluated: 2017-09-12. Review status: no assertion criteria provided. Collection method: clinical testing. Allele origin: unknown. Not counted in ClinVar's aggregate classification.

Literature cited by the submitters: PubMed 15733273 (cited by 3 submitters); PubMed 10330340 (cited by Labcorp Genetics (formerly Invitae), Labcorp); PubMed 15689361 (cited by Labcorp Genetics (formerly Invitae), Labcorp); PubMed 26501342 (cited by Dasa and Counsyl); PubMed 25135358 (cited by Dasa and Counsyl); PubMed 17702496 (cited by Dasa and Counsyl); PubMed 17236769 (cited by Dasa and Counsyl).